The following is an entry in ClinVar:

NM_007294.4(BRCA1):c.5092G>A (p.Glu1698Lys)

Gene: BRCA1 (BRCA1 DNA repair associated; minus strand). Cytogenetic location: 17q21.31.
Variant type: single nucleotide variant.
Coding change: c.5092G>A on transcript NM_007294.4 (MANE Select); coding-DNA position 5092, G replaced by A.
Protein change: p.Glu1698Lys; replaces glutamic acid 1698 with lysine.
Molecular consequence: missense variant. On other transcripts: non-coding transcript variant (1).
Genome position (GRCh38, 1-based): chr17:43,063,934, C>T on the plus strand (G>A on the coding strand, the complement: BRCA1 is on the minus strand). VCF-style: chr17-43063934-C-T. GRCh37 (hg19) VCF-style: chr17-41215951-C-T.
Other names: c.5086G>A, p.Glu1696Lys (NM_001407628.1, NM_001407629.1, NM_001407630.1 and 14 more transcripts); c.5083G>A, p.Glu1695Lys (NM_001407644.1, NM_001407645.1); c.5080G>A, p.Glu1694Lys (NM_001407646.1); c.5077G>A, p.Glu1693Lys (NM_001407647.1); c.5035G>A, p.Glu1679Lys (NM_001407648.1); c.5032G>A, p.Glu1678Lys (NM_001407649.1); c.5014G>A, p.Glu1672Lys (NM_001407653.1, NM_001407654.1, NM_001407655.1); c.4969G>A, p.Glu1657Lys (NM_001407664.1, NM_001407665.1, NM_001407666.1 and 6 more transcripts); and 71 more; short protein forms E1651K, E1698K, E1719K, E594K, E1544K, E1610K, E1629K, E1631K.
Identifiers: ClinVar variation 868630 (VCV000868630.3), dbSNP rs2051929740, ClinGen allele CA10591342.

Conditions:
Breast-ovarian cancer, familial, susceptibility to, 1 (BROVCA1). Also called: BRCA1 Hereditary Breast and Ovarian Cancer; OVARIAN CANCER, SUSCEPTIBILITY TO. Identifiers: Orphanet 145, MedGen C2676676, MONDO:0011450, OMIM 604370. Disease mechanism: loss of function.

Submission:

Brotman Baty Institute, University of Washington
No classification provided (evidence only). Condition: Breast-ovarian cancer, familial 1. Review status: no classification provided. Collection method: in vitro. Allele origin: not applicable. Functional consequence: functionally_normal.
ClinVar note: "not provided" was previously submitted as the classification for the variant. However, the classification appeared to be based only on an observation of functional data so it was converted to no classification on 2025-07-30.